The following is an entry in ClinVar:

NM_014053.4(FLVCR1):c.*844T>C

Gene: FLVCR1 (FLVCR choline and heme transporter 1; plus strand). Cytogenetic location: 1q32.3.
Variant type: single nucleotide variant.
Coding change: c.*844T>C on transcript NM_014053.4 (MANE Select); 844 bases downstream of the stop codon, T replaced by C.
Molecular consequence: 3 prime UTR variant.
Genome position (GRCh38, 1-based): chr1:212,896,134, T>C. VCF-style: chr1-212896134-T-C. GRCh37 (hg19) VCF-style: chr1-213069476-T-C.
Identifiers: ClinVar variation 295346 (VCV000295346.6), dbSNP rs12565125, ClinGen allele CA10609084.

ClinVar aggregate classification (germline): Benign. Review status: criteria provided, multiple submitters, no conflicts (2 of 4 stars). 2 submissions from 2 submitters: Benign (2). Last evaluated 2018-01-13.

Conditions:
Posterior column ataxia-retinitis pigmentosa syndrome (RETSNS). Also called: RETINOPATHY-SENSORY NEUROPATHY SYNDROME. Identifiers: Orphanet 88628, MedGen C1836916, MONDO:0012177, OMIM 609033.

Allele frequency attached by ClinVar (database versions not stated): TOPMed 0.24392; 1000 Genomes Project 0.24561; gnomAD 0.23060 and 0.22460.

Submissions (2):

Illumina Laboratory Services, Illumina
Classification: Benign for Posterior column ataxia-retinitis pigmentosa syndrome. Last evaluated: 2018-01-13. Review status: criteria provided, single submitter. Criteria: ICSL Variant Classification Criteria 13 December 2019. Collection method: clinical testing. Allele origin: germline.
Comment: This variant was observed in the ICSL laboratory as part of a predisposition screen in an ostensibly healthy population. It had not been previously curated by ICSL or reported in the Human Gene Mutation Database (HGMD: prior to June 1st, 2018), and was therefore a candidate for classification through an automated scoring system. Utilizing variant allele frequency, disease prevalence and penetrance estimates, and inheritance mode, an automated score was calculated to assess if this variant is too frequent to cause the disease. Based on the score and internal cut-off values, a variant classified as benign is not then subjected to further curation. The score for this variant resulted in a classification of benign for this disease.

Breakthrough Genomics
Classification: Benign. Review status: criteria provided, single submitter. Criteria: ACMG Guidelines, 2015. Collection method: not provided. Allele origin: germline. Inheritance: Autosomal recessive inheritance. Affected: yes.